The following is an entry in ClinVar:

ClinVar aggregate classification (germline): Uncertain significance (1 of 4 stars; one submission).

Conditions:
Neurodevelopmental disorder with or without hyperkinetic movements and seizures, autosomal dominant. Also called: Intellectual disability, autosomal dominant 8. Identifiers: MedGen C3280282, MONDO:0013655, OMIM 614254.

Submission:

Labcorp Genetics (formerly Invitae), Labcorp
Classification: Uncertain significance for Neurodevelopmental disorder with or without hyperkinetic movements and seizures, autosomal dominant. Last evaluated: 2022-05-11. Review status: criteria provided, single submitter. Criteria: Invitae Variant Classification Sherloc (09022015). Collection method: clinical testing. Allele origin: germline.
Comment: Variants that disrupt the consensus splice site are a relatively common cause of aberrant splicing (PMID: 17576681, 9536098). Algorithms developed to predict the effect of sequence changes on RNA splicing suggest that this variant is not likely to affect RNA splicing. This variant has not been reported in the literature in individuals affected with GRIN1-related conditions. This variant is not present in population databases (gnomAD no frequency). This sequence change falls in intron 12 of the GRIN1 gene. It does not directly change the encoded amino acid sequence of the GRIN1 protein. It affects a nucleotide within the consensus splice site. In summary, the available evidence is currently insufficient to determine the role of this variant in disease. Therefore, it has been classified as a Variant of Uncertain Significance.

Literature cited by the submitters: PubMed 17576681; PubMed 9536098.

NM_007327.4(GRIN1):c.1751+3G>T

Gene: GRIN1 (glutamate ionotropic receptor NMDA type subunit 1; plus strand). Cytogenetic location: 9q34.3.
Variant type: single nucleotide variant.
Coding change: c.1751+3G>T on transcript NM_007327.4 (MANE Select); 3 bases into the intron after coding-DNA position 1751, G replaced by T.
Molecular consequence: intron variant.
Genome position (GRCh38, 1-based): chr9:137,162,293, G>T. VCF-style: chr9-137162293-G-T. GRCh37 (hg19) VCF-style: chr9-140056745-G-T.
Other names: c.1814+3G>T (NM_001185090.2, NM_001185091.2); c.1751+3G>T (NM_021569.4, NM_000832.7).
Identifiers: ClinVar variation 2117196 (VCV002117196.4), dbSNP rs2538637493, ClinGen allele CA2580081077.